The following is an entry in ClinVar:

NM_024120.5(NDUFAF5):c.749G>T (p.Gly250Val)

Gene: NDUFAF5 (NADH:ubiquinone oxidoreductase complex assembly factor 5; plus strand). Cytogenetic location: 20p12.1.
Variant type: single nucleotide variant.
Coding change: c.749G>T on transcript NM_024120.5 (MANE Select); coding-DNA position 749, G replaced by T.
Protein change: p.Gly250Val; replaces glycine 250 with valine.
Molecular consequence: missense variant. On other transcripts: non-coding transcript variant (7).
Genome position (GRCh38, 1-based): chr20:13,808,873, G>T. VCF-style: chr20-13808873-G-T. GRCh37 (hg19) VCF-style: chr20-13789519-G-T.
Other names: c.665G>T, p.Gly222Val (NM_001039375.3); c.278G>T, p.Gly93Val (NM_001352403.2); c.188G>T, p.Gly63Val (NM_001352406.2, NM_001352407.2); short protein forms G250V, G222V, G93V, G63V.
Identifiers: ClinVar variation 372253 (VCV000372253.20), dbSNP rs757043077, ClinGen allele CA9767862.

ClinVar aggregate classification (germline): Pathogenic/Likely pathogenic. Review status: criteria provided, multiple submitters, no conflicts (2 of 4 stars). 9 submissions from 9 submitters: Pathogenic (6); Likely pathogenic (1). 2 of the submissions do not count toward it. Last evaluated 2026-06-14.

Conditions:
NDUFAF5-related disorder. Also called: NDUFAF5-related condition.
Mitochondrial complex I deficiency. Also called: NADH:Q(1) OXIDOREDUCTASE DEFICIENCY. Identifiers: Orphanet 2609, MedGen C1838979, MeSH C537475, MONDO:0100133.
Mitochondrial complex I deficiency, nuclear type 16. Also called: Mitochondrial complex 1 deficiency, nuclear type 16. Identifiers: MedGen C4748785, MONDO:0032621, OMIM 618238.

Allele frequency attached by ClinVar (database versions not stated): gnomAD 0.00001; gnomAD exomes 0.00002 and 0.00004; TOPMed 0.00003; ExAC 0.00004.
gnomAD v4.1: 26 of 1,596,388 alleles (0.0016%); highest among the groups gnomAD compares: Non-Finnish European, 0.00017%; no homozygotes.

Submissions (9):

PreventionGenetics, part of Exact Sciences
Classification: Pathogenic for NDUFAF5-related condition. Last evaluated: 2026-06-14. Review status: criteria provided, single submitter. Criteria: ACMG Guidelines, 2015. Collection method: clinical testing. Allele origin: germline.
Comment: The NDUFAF5 c.749G>T variant is predicted to result in the amino acid substitution p.Gly250Val. This variant has been reported in the homozygous and compound heterozygous states in individuals with Leigh syndrome, and it segregated with disease in unrelated families (Saada et al. 2012. PubMed ID: 21607760; Simon et al 2019. PubMed ID: 30473481). It was also reported in the compound heterozygous state in a fetus with isolated complete agenesis of the corpus callosum (Brabbing-Goldstein et al. 2024. PubMed ID: 37718619). It has been described as a founder variant in the Ashkenazi Jewish population (Saada et al. 2012. PubMed ID: 21607760). This variant is reported in 0.11% of alleles in individuals of Ashkenazi Jewish descent in gnomAD. This variant is interpreted as pathogenic.

Labcorp Genetics (formerly Invitae), Labcorp
Classification: Pathogenic. Last evaluated: 2026-01-19. Review status: criteria provided, single submitter. Criteria: Invitae Variant Classification Sherloc (09022015). Collection method: clinical testing. Allele origin: germline.
Comment: This sequence change replaces glycine, which is neutral and non-polar, with valine, which is neutral and non-polar, at codon 250 of the NDUFAF5 protein (p.Gly250Val). This variant is present in population databases (rs757043077, gnomAD 0.1%). This missense change has been observed in individuals with mitochondrial complex I deficiency (PMID: 21607760). It has also been observed to segregate with disease in related individuals. ClinVar contains an entry for this variant (Variation ID: 372253). Invitae Evidence Modeling of protein sequence and biophysical properties (such as structural, functional, and spatial information, amino acid conservation, physicochemical variation, residue mobility, and thermodynamic stability) indicates that this missense variant is expected to disrupt NDUFAF5 protein function with a positive predictive value of 95%. For these reasons, this variant has been classified as Pathogenic.

GeneDx
Classification: Pathogenic. Last evaluated: 2025-11-22. Review status: criteria provided, single submitter. Criteria: GeneDx Variant Classification Process June 2021. Collection method: clinical testing. Allele origin: germline. Affected: yes.
Comment: Observed with another NDUFAF5 variant on the opposite allele (in trans) in a patient features of NDUFAF5-related disorder in published literature (PMID: 30473481); Not observed at significant frequency in large population cohorts (gnomAD); In silico analysis supports that this missense variant has a deleterious effect on protein structure/function; This variant is associated with the following publications: (PMID: 22664328, 22099533, 21924235, 23536703, 30581749, 34964562, 34177781, 21607760, 37432431, 38340008, 30473481)

Natera, Inc.
Classification: Pathogenic for Mitochondrial complex I deficiency. Last evaluated: 2024-11-13. Review status: criteria provided, single submitter. Criteria: Natera Variant Classification Schema (03/2026). Collection method: clinical testing. Allele origin: germline.
Comment: The c.749G>T variant in NDUFAF5 is a missense variant predicted to cause substitution of glycine to valine at amino acid 250. This variant is rare in the general population with a frequency below the threshold expected for the associated phenotype(s). This variant has been observed in one or more individuals affected with the associated recessive disease, as either homozygous or compound heterozygous with a second variant (PMID: 21607760, 30473481). Additionally, this variant has been observed to segregate in affected family members (PMID: 21607760, 30473481). Computational prediction algorithms indicate this variant is likely to affect gene or protein function. Given the available evidence, this variant is classified as Pathogenic.

Baylor Genetics
Classification: Pathogenic for Mitochondrial complex I deficiency, nuclear type 16. Last evaluated: 2024-03-21. Review status: criteria provided, single submitter. Criteria: ACMG Guidelines, 2015. Collection method: clinical testing. Allele origin: unknown.

Fulgent Genetics
Classification: Likely pathogenic for Mitochondrial complex I deficiency, nuclear type 16. Last evaluated: 2024-03-08. Review status: criteria provided, single submitter. Criteria: ACMG Guidelines, 2015. Collection method: clinical testing. Allele origin: germline.

Athena Diagnostics
Classification: Pathogenic. Last evaluated: 2021-10-08. Review status: criteria provided, single submitter. Criteria: Athena Diagnostics Criteria. Collection method: clinical testing. Allele origin: unknown.
Comment: This variant segregates with disease in multiple families and is considered a founder variant among individuals of Ashkenazi Jewish ancestry (PMID: 21607760). The frequency of this variant in the general population is consistent with pathogenicity. Computational tools yielded predictions that this amino acid change may be damaging to the protein.This observation is not an independent occurrence and has been identified in the same individual by RCIGM, the other laboratory participating in the GEMINI study.

OMIM
Classification: Pathogenic for MITOCHONDRIAL COMPLEX I DEFICIENCY, NUCLEAR TYPE 16. Last evaluated: 2021-06-06. Review status: no assertion criteria provided. Collection method: literature only. Allele origin: germline. Not counted in ClinVar's aggregate classification.

Division of Human Genetics, Children's Hospital of Philadelphia
Classification: Likely pathogenic for Mitochondrial complex I deficiency, nuclear type 1. Last evaluated: 2016-01-15. Review status: no assertion criteria provided. Collection method: research. Allele origin: germline. Study: CSER-PediSeq. Not counted in ClinVar's aggregate classification.

Literature cited by the submitters: PubMed 21607760 (cited by 4 submitters); PubMed 30473481 (cited by Natera, Inc. and OMIM).